The following is an entry in ClinVar:

ClinVar aggregate classification (germline): Uncertain significance. Review status: criteria provided, multiple submitters, no conflicts (2 of 4 stars). 2 submissions from 2 submitters: Uncertain significance (2). Last evaluated 2025-08-12.

Conditions:
RHOBTB2-related disorder. Also called: RHOBTB2-related condition.

gnomAD v4.1: 9 of 1,614,176 alleles (0.00056%); highest among the groups gnomAD compares: Non-Finnish European, 0.00076%; no homozygotes.

Submissions (2):

PreventionGenetics, part of Exact Sciences
Classification: Uncertain significance for RHOBTB2-related condition. Last evaluated: 2025-08-12. Review status: criteria provided, single submitter. Criteria: ACMG Guidelines, 2015. Collection method: clinical testing. Allele origin: germline.
Comment: The RHOBTB2 c.2057A>G variant is predicted to result in the amino acid substitution p.His686Arg. To our knowledge, this variant has not been reported in the literature or in a large population database (gnomAD), indicating this variant is rare. At this time, the clinical significance of this variant is uncertain due to the absence of conclusive functional and genetic evidence.

GeneDx
Classification: Uncertain significance. Last evaluated: 2025-05-20. Review status: criteria provided, single submitter. Criteria: GeneDx Variant Classification Process June 2021. Collection method: clinical testing. Allele origin: germline.
Comment: Not observed at significant frequency in large population cohorts (gnomAD); In silico analysis supports that this missense variant has a deleterious effect on protein structure/function; Has not been previously published as pathogenic or benign to our knowledge

NM_015178.3(RHOBTB2):c.1991A>G (p.His664Arg)

Gene: RHOBTB2 (Rho related BTB domain containing 2; plus strand). Cytogenetic location: 8p21.3.
Variant type: single nucleotide variant.
Coding change: c.1991A>G on transcript NM_015178.3 (MANE Select); coding-DNA position 1991, A replaced by G.
Protein change: p.His664Arg; replaces histidine 664 with arginine.
Molecular consequence: missense variant.
Genome position (GRCh38, 1-based): chr8:23,017,276, A>G. VCF-style: chr8-23017276-A-G. GRCh37 (hg19) VCF-style: chr8-22874789-A-G.
Other names: c.2057A>G, p.His686Arg (NM_001160036.2); c.2012A>G, p.His671Arg (NM_001160037.2); c.1991A>G, p.His664Arg (NM_001374791.1); short protein forms H664R, H671R, H686R.
Identifiers: ClinVar variation 3342763 (VCV003342763.3).
Genomic context (GRCh38, chr8:23,017,276, plus strand): 5'-CTCCTTTCTAACCAAGCTGCCTGCTCTCTGCTCCAGAAAACCAGGAGTATTTCGAGAAGC[A>G]TCGGTGGCCACCTGTGTGGTACCTGAAGGAGGAAGATCATTACCAGCGGGCACGGAAGGA-3'
Protein context (NP_055993.2, residues 654-674): SPENQEYFEK[His664Arg]RWPPVWYLKE